The following is an entry in ClinVar:

ClinVar aggregate classification (germline): Likely benign. Review status: criteria provided, multiple submitters, no conflicts (2 of 4 stars). 4 submissions from 4 submitters: Likely benign (3). 1 of the submissions does not count toward it. Last evaluated 2026-01-27.

Conditions:
Cardiovascular phenotype. Identifiers: MedGen CN230736.
TTN-related disorder. Also called: TTN-related disorders; TTN-related condition; TTN-related disease.
Autosomal recessive limb-girdle muscular dystrophy type 2J (LGMDR10). Also called: MUSCULAR DYSTROPHY, LIMB-GIRDLE, AUTOSOMAL RECESSIVE 10; Limb-girdle muscular dystrophy, type 2J. Identifiers: Orphanet 140922, MedGen C1837342, MONDO:0012127, OMIM 608807.
Dilated cardiomyopathy 1G (CMD1G). Identifiers: Orphanet 154, MedGen C1858763, MONDO:0011400, OMIM 604145.

Allele frequency attached by ClinVar (database versions not stated): gnomAD exomes 0.00002 and 0.00008; ExAC 0.00012; ESP Exome Variant Server 0.00017; gnomAD 0.00023; TOPMed 0.00027.
gnomAD v4.1: 65 of 1,606,052 alleles (0.004%); highest among the groups gnomAD compares: African/African-American, 0.084%; no homozygotes.

Submissions (4):

Labcorp Genetics (formerly Invitae), Labcorp
Classification: Likely benign for Dilated cardiomyopathy 1G; Autosomal recessive limb-girdle muscular dystrophy type 2J. Last evaluated: 2026-01-27. Review status: criteria provided, single submitter. Criteria: Invitae Variant Classification Sherloc (09022015). Collection method: clinical testing. Allele origin: germline.

Blueprint Genetics
Classification: Likely benign. Last evaluated: 2021-09-01. Review status: criteria provided, single submitter. Criteria: ACMG Guidelines, 2015. Collection method: clinical testing. Allele origin: germline.

Ambry Genetics
Classification: Likely benign for Cardiovascular phenotype. Last evaluated: 2019-01-14. Review status: criteria provided, single submitter. Criteria: Ambry Variant Classification Scheme 2023. Collection method: clinical testing. Allele origin: germline.

PreventionGenetics, part of Exact Sciences
Classification: Likely benign for TTN-related condition. Last evaluated: 2021-08-19. Review status: no assertion criteria provided. Collection method: clinical testing. Allele origin: germline. Not counted in ClinVar's aggregate classification.
Comment: This variant is classified as likely benign based on ACMG/AMP sequence variant interpretation guidelines (Richards et al. 2015 PMID: 25741868, with internal and published modifications).

NM_001267550.2(TTN):c.11388A>G (p.Glu3796=)

Gene: TTN (titin; minus strand). Cytogenetic location: 2q31.2.
Variant type: single nucleotide variant.
Coding change: c.11388A>G on transcript NM_001267550.2 (MANE Select); coding-DNA position 11388, A replaced by G.
Protein change: p.Glu3796=; no amino-acid change (glutamic acid 3796 retained).
Molecular consequence: synonymous variant. On other transcripts: intron variant (1).
Genome position (GRCh38, 1-based): chr2:178,741,845, T>C on the plus strand (A>G on the coding strand, the complement: TTN is on the minus strand). VCF-style: chr2-178741845-T-C. GRCh37 (hg19) VCF-style: chr2-179606572-T-C.
Other names: c.10437A>G, p.Glu3479= (NM_001256850.1); c.10299A>G, p.Glu3433= (NM_003319.4); c.10674A>G, p.Glu3558= (NM_133432.3); c.10875A>G, p.Glu3625= (NM_133437.4); c.10361-3485A>G (NM_133378.4).
Identifiers: ClinVar variation 697381 (VCV000697381.16), dbSNP rs367821213, ClinGen allele CA2002860.